The following is an entry in ClinVar:

ClinVar aggregate classification (germline): Uncertain significance. Review status: criteria provided, multiple submitters, no conflicts (2 of 4 stars). 2 submissions from 2 submitters: Uncertain significance (2). Last evaluated 2025-01-22.

Conditions:
Glycogen storage disease IXd (GSD9D). Also called: Muscle Phosphorylase Kinase Deficiency; GSD IXd. Identifiers: Orphanet 715, MedGen C1845151, MONDO:0010362, OMIM 300559.

Submissions (2):

GeneDx
Classification: Uncertain significance. Last evaluated: 2025-01-22. Review status: criteria provided, single submitter. Criteria: GeneDx Variant Classification Process June 2021. Collection method: clinical testing. Allele origin: germline. Affected: yes.
Comment: Not observed at significant frequency in large population cohorts (gnomAD); In silico analysis supports that this missense variant has a deleterious effect on protein structure/function; Has not been previously published as pathogenic or benign to our knowledge

Labcorp Genetics (formerly Invitae), Labcorp
Classification: Uncertain significance for Glycogen storage disease IXd. Last evaluated: 2024-05-13. Review status: criteria provided, single submitter. Criteria: Invitae Variant Classification Sherloc (09022015). Collection method: clinical testing. Allele origin: germline.
Comment: This sequence change replaces aspartic acid, which is acidic and polar, with tyrosine, which is neutral and polar, at codon 734 of the PHKA1 protein (p.Asp734Tyr). This variant is not present in population databases (gnomAD no frequency). This variant has not been reported in the literature in individuals affected with PHKA1-related conditions. Advanced modeling of protein sequence and biophysical properties (such as structural, functional, and spatial information, amino acid conservation, physicochemical variation, residue mobility, and thermodynamic stability) performed at Invitae indicates that this missense variant is not expected to disrupt PHKA1 protein function with a negative predictive value of 80%. In summary, the available evidence is currently insufficient to determine the role of this variant in disease. Therefore, it has been classified as a Variant of Uncertain Significance.

NM_002637.4(PHKA1):c.2200G>T (p.Asp734Tyr)

Gene: PHKA1 (phosphorylase kinase regulatory subunit alpha 1; minus strand). Cytogenetic location: Xq13.1.
Variant type: single nucleotide variant.
Coding change: c.2200G>T on transcript NM_002637.4 (MANE Select); coding-DNA position 2200, G replaced by T.
Protein change: p.Asp734Tyr; replaces aspartic acid 734 with tyrosine.
Molecular consequence: missense variant.
Genome position (GRCh38, 1-based): chrX:72,619,243, C>A on the plus strand (G>T on the coding strand, the complement: PHKA1 is on the minus strand). VCF-style: chrX-72619243-C-A. GRCh37 (hg19) VCF-style: chrX-71839093-C-A.
Other names: c.2200G>T (NM_002637.3); c.2200G>T, p.Asp734Tyr (NM_001431068.1, NM_001122670.2); c.2023G>T, p.Asp675Tyr (NM_001172436.2); short protein forms D675Y, D734Y.
Identifiers: ClinVar variation 3653256 (VCV003653256.3).
Genomic context (GRCh38, chrX:72,619,243, plus strand): 5'-GCTAATAGAAATACCTCCTGCACAAATTTACCTGGTTCTCCTGTCGGGGATGAGGTGAAT[C>A]AAGTAAGTTGAATGAAGGCCGGGAAGCCTGAAATAACTTCGTAGGAAGATACATGTGAAC-3'
Protein context (NP_002628.2, residues 724-744): QASRPSFNLL[Asp734Tyr]SPHPRQENQV